The following is an entry in ClinVar:

ClinVar aggregate classification (germline): Uncertain significance. Review status: criteria provided, multiple submitters, no conflicts (2 of 4 stars). 3 submissions from 3 submitters: Uncertain significance (3). Last evaluated 2025-01-18.

Conditions:
Inborn genetic diseases. Identifiers: MedGen C0950123, MeSH D030342.
Familial hemophagocytic lymphohistiocytosis 5. Also called: STXBP2-Related Familial Hemophagocytic Lymphohistiocytosis (STXBP2-fHLH). Identifiers: Orphanet 540, MedGen C2751293, MONDO:0013135, OMIM 613101.

Allele frequency attached by ClinVar (database versions not stated): ExAC 0.00001; gnomAD 0.00001; gnomAD exomes 0.00001 and 0.00002; TOPMed 0.00002.
gnomAD v4.1: 16 of 1,614,000 alleles (0.00099%); highest among the groups gnomAD compares: Admixed American, 0.0033%; no homozygotes.

Submissions (3):

Ambry Genetics
Classification: Uncertain significance for Inborn genetic diseases. Last evaluated: 2025-01-18. Review status: criteria provided, single submitter. Criteria: Ambry Variant Classification Scheme 2023. Collection method: clinical testing. Allele origin: germline.

Labcorp Genetics (formerly Invitae), Labcorp
Classification: Uncertain significance for Familial hemophagocytic lymphohistiocytosis 5. Last evaluated: 2023-12-19. Review status: criteria provided, single submitter. Criteria: Invitae Variant Classification Sherloc (09022015). Collection method: clinical testing. Allele origin: germline.
Comment: This sequence change replaces alanine, which is neutral and non-polar, with valine, which is neutral and non-polar, at codon 321 of the STXBP2 protein (p.Ala321Val). This variant is present in population databases (rs753737127, gnomAD 0.007%). This variant has not been reported in the literature in individuals affected with STXBP2-related conditions. ClinVar contains an entry for this variant (Variation ID: 1016028). An algorithm developed to predict the effect of missense changes on protein structure and function (PolyPhen-2) suggests that this variant is likely to be disruptive. In summary, the available evidence is currently insufficient to determine the role of this variant in disease. Therefore, it has been classified as a Variant of Uncertain Significance.

Revvity Omics, Revvity
Classification: Uncertain significance for Familial hemophagocytic lymphohistiocytosis 5. Last evaluated: 2020-03-23. Review status: criteria provided, single submitter. Criteria: ACMG Guidelines, 2015. Collection method: clinical testing. Allele origin: germline.

NM_006949.4(STXBP2):c.962C>T (p.Ala321Val)

Gene: STXBP2 (syntaxin binding protein 2; plus strand). Cytogenetic location: 19p13.2.
Variant type: single nucleotide variant.
Coding change: c.962C>T on transcript NM_006949.4 (MANE Select); coding-DNA position 962, C replaced by T.
Protein change: p.Ala321Val; replaces alanine 321 with valine.
Molecular consequence: missense variant. On other transcripts: non-coding transcript variant (1).
Genome position (GRCh38, 1-based): chr19:7,642,984, C>T. VCF-style: chr19-7642984-C-T. GRCh37 (hg19) VCF-style: chr19-7707870-C-T.
Other names: c.962C>T (NM_006949.2, NM_006949.3); c.953C>T, p.Ala318Val (NM_001127396.3); c.995C>T, p.Ala332Val (NM_001272034.2); short protein forms A318V, A321V, A332V.
Identifiers: ClinVar variation 1016028 (VCV001016028.10), dbSNP rs753737127, ClinGen allele CA9143915.